The following is an entry in ClinVar:

ClinVar aggregate classification (germline): Pathogenic. Review status: reviewed by expert panel (3 of 4 stars). 8 submissions from 8 submitters: Pathogenic (1). 7 of the submissions do not count toward it. Last evaluated 2016-10-18.

Conditions:
Hereditary cancer-predisposing syndrome. Also called: Hereditary Cancer Syndrome; Neoplastic Syndromes, Hereditary; Hereditary neoplastic syndrome; Tumor predisposition. Identifiers: Orphanet 140162, MedGen C0027672, MeSH D009386, MONDO:0015356.
Hereditary breast ovarian cancer syndrome. Also called: Hereditary breast and ovarian cancer syndrome (HBOC); Breast and ovarian cancer; Hereditary breast and ovarian cancer syndrome; Hereditary breast and ovarian cancer; BRCA1- and BRCA2-Associated Hereditary Breast and Ovarian Cancer; Hereditary breast and/or ovarian cancer syndrome. Identifiers: Orphanet 145, MedGen C0677776, MeSH D061325, MONDO:0003582. Disease mechanism: loss of function.
Breast-ovarian cancer, familial, susceptibility to, 1 (BROVCA1). Also called: BRCA1 Hereditary Breast and Ovarian Cancer; OVARIAN CANCER, SUSCEPTIBILITY TO. Identifiers: Orphanet 145, MedGen C2676676, MONDO:0011450, OMIM 604370. Disease mechanism: loss of function.
Gastric cancer. Also called: Stomach cancer; Malignant tumor of stomach. Identifiers: MedGen C0024623, MeSH D013274, MONDO:0001056, OMIM 613659, HP:0012126.
Malignant tumor of breast. Also called: Malignant breast neoplasm; Cancer breast. Identifiers: MedGen C0006142, MONDO:0007254. Disease mechanism: loss of function.

Submissions (9):

Evidence-based Network for the Interpretation of Germline Mutant Alleles (ENIGMA)
Classification: Pathogenic for Breast-ovarian cancer, familial, susceptibility to, 1. Last evaluated: 2016-10-18. Review status: reviewed by expert panel. Criteria: ENIGMA BRCA1/2 Classification Criteria (2015). Collection method: curation. Allele origin: germline.
Comment: Variant allele predicted to encode a truncated non-functional protein.

Labcorp Genetics (formerly Invitae), Labcorp
Classification: Pathogenic for Hereditary breast ovarian cancer syndrome. Last evaluated: 2025-09-07. Review status: criteria provided, single submitter. Criteria: Invitae Variant Classification Sherloc (09022015). Collection method: clinical testing. Allele origin: germline. Not counted in ClinVar's aggregate classification.
Comment: This sequence change creates a premature translational stop signal (p.Gln1721*) in the BRCA1 gene. It is expected to result in an absent or disrupted protein product. Loss-of-function variants in BRCA1 are known to be pathogenic (PMID: 20104584). This variant is not present in population databases (gnomAD no frequency). This premature translational stop signal has been observed in individual(s) with breast and ovarian cancer (PMID: 23175448, 26306726, 29446198, 30333958). This variant is also known as 5280C>T Q1721X and c.5224C>T p.Gln1742*. ClinVar contains an entry for this variant (Variation ID: 266529). For these reasons, this variant has been classified as Pathogenic.

Ambry Genetics
Classification: Pathogenic for Hereditary cancer-predisposing syndrome. Last evaluated: 2025-04-03. Review status: criteria provided, single submitter. Criteria: Ambry Variant Classification Scheme 2023. Collection method: clinical testing. Allele origin: germline. Not counted in ClinVar's aggregate classification.
Comment: The p.Q1721* pathogenic mutation (also known as c.5161C>T), located in coding exon 17 of the BRCA1 gene, results from a C to T substitution at nucleotide position 5161. This changes the amino acid from a glutamine to a stop codon within coding exon 17. This mutation has been reported in individuals from various ethnic backgrounds with breast and/or ovarian cancer (Minucci A et al. Expert Rev. Mol. Diagn. 2015 Aug;15:1383-403; Laitman Y et al. Breast Cancer Res. Treat. 2011 Jun;127:489-95; Cao W et al. Anat Rec (Hoboken) 2013 Feb;296:273-8; Bhaskaran SP et al. Int J Cancer. 2019 Aug 15;145(4):962-973). Of note, this alteration is also designated as 5280C>T in published literature. This variant is considered to be rare based on population cohorts in the Genome Aggregation Database (gnomAD). In addition to the clinical data presented in the literature, this alteration is expected to result in loss of function by premature protein truncation or nonsense-mediated mRNA decay. As such, this alteration is interpreted as a disease-causing mutation.

Women's Health and Genetics/Laboratory Corporation of America, LabCorp
Classification: Pathogenic for Hereditary breast ovarian cancer syndrome. Last evaluated: 2024-02-26. Review status: criteria provided, single submitter. Criteria: LabCorp Variant Classification Summary - May 2015. Collection method: clinical testing. Allele origin: germline. Not counted in ClinVar's aggregate classification.
Comment: Variant summary: BRCA1 c.5161C>T (p.Gln1721X) results in a premature termination codon, predicted to cause a truncation of the encoded protein or absence of the protein due to nonsense mediated decay, which are commonly known mechanisms for disease. The variant was absent in 250974 control chromosomes. c.5161C>T has been reported in the literature in individuals affected with Hereditary Breast and Ovarian Cancer (Muendlein_2015, Nakamura_2013, Minucci_2015, Kechin_2023). These data indicate that the variant is likely to be associated with disease. The following publications have been ascertained in the context of this evaluation (PMID: 24249303, 25971625, 26306726, 36367610). ClinVar contains an entry for this variant (Variation ID: 266529). Based on the evidence outlined above, the variant was classified as pathogenic.

Research Institute, Aichi Cancer Center
Classification: Pathogenic for Hereditary breast ovarian cancer syndrome. Last evaluated: 2022-02-01. Review status: criteria provided, single submitter. Criteria: ACMG Guidelines, 2015. Collection method: research. Allele origin: germline. Affected: yes. Observed: 2 variant alleles. Not counted in ClinVar's aggregate classification.

Consortium of Investigators of Modifiers of BRCA1/2 (CIMBA), c/o University of Cambridge
Classification: Pathogenic for Breast-ovarian cancer, familial, susceptibility to, 1. Last evaluated: 2015-10-02. Review status: criteria provided, single submitter. Criteria: CIMBA Mutation Classification guidelines May 2016. Collection method: clinical testing. Allele origin: germline. Not counted in ClinVar's aggregate classification.

Laboratory for Genotyping Development, RIKEN
Classification: Pathogenic for Gastric cancer. Last evaluated: 2021-07-01. Review status: no assertion criteria provided. Collection method: research. Allele origin: germline. Not counted in ClinVar's aggregate classification.

Brotman Baty Institute, University of Washington
No classification provided (evidence only). Condition: Breast-ovarian cancer, familial 1. Review status: no classification provided. Collection method: in vitro. Allele origin: not applicable. Functional consequence: functionally_abnormal. Not counted in ClinVar's aggregate classification.
ClinVar note: "not provided" was previously submitted as the classification for the variant. However, the classification appeared to be based only on an observation of functional data so it was converted to no classification on 2025-07-30.

Department of Pathology and Laboratory Medicine, Sinai Health System
Classification: Pathogenic for Malignant tumor of breast. Review status: no assertion criteria provided. Collection method: clinical testing. Allele origin: unknown. Affected: yes. Study: The Canadian Open Genetics Repository (COGR). Not counted in ClinVar's aggregate classification.
Comment: The BRCA1 p.Gln1721X variant was identified in 4 of 1314 proband chromosomes (frequency: 0.003) from individuals or families with breast and ovarian cancer (Cao 2013, Cao 2016, Laitman 2011, Minucci 2015); however, control chromosomes were not evaluated in these studies, thus the prevalence of this variant in the general population could not be determined. The variant was also identified in the following databases: ClinVar (3x, pathogenic, reviewed by ENIGMA expert panel), Clinvitae (1x, pathogenic), LOVD 3.0 (1x), UMD-LSDB (3x, causal), and ARUP Laboratories (1x, definitely pathogenic). The variant was not identified in dbSNP, Cosmic, MutDB, BIC Database, or the Zhejiang Colon Cancer Database. The variant was not identified in the control databases: the 1000 Genomes Project, the NHLBI GO Exome Sequencing Project, the Exome Aggregation Consortium (August 8th 2016), or the Genome Aggregation Database (Feb 27, 2017). The c.5161C>T variant leads to a premature stop codon at position 1721 which is predicted to lead to a truncated or absent protein and loss of function. Loss of function variants of the BRCA1 gene are an established mechanism of disease in hereditary breast and ovarian cancer and is the type of variant expected to cause the disorder. In summary, based on the above information this variant meets our laboratoryâ€šÃ„Ã´s criteria to be classified as pathogenic.

Literature cited by the submitters: PubMed 20104584 (cited by Labcorp Genetics (formerly Invitae), Labcorp); PubMed 23175448 (cited by Labcorp Genetics (formerly Invitae), Labcorp and Ambry Genetics); PubMed 26306726 (cited by 3 submitters); PubMed 29446198 (cited by Labcorp Genetics (formerly Invitae), Labcorp); PubMed 30333958 (cited by Labcorp Genetics (formerly Invitae), Labcorp); PubMed 20960228 (cited by Ambry Genetics); PubMed 24249303 (cited by Women's Health and Genetics/Laboratory Corporation of America, LabCorp); PubMed 25971625 (cited by Women's Health and Genetics/Laboratory Corporation of America, LabCorp); PubMed 36367610 (cited by Women's Health and Genetics/Laboratory Corporation of America, LabCorp); PubMed 36988593 (cited by Laboratory for Genotyping Development, RIKEN).

NM_007294.4(BRCA1):c.5161C>T (p.Gln1721Ter)

Gene: BRCA1 (BRCA1 DNA repair associated; minus strand). Cytogenetic location: 17q21.31.
Variant type: single nucleotide variant.
Coding change: c.5161C>T on transcript NM_007294.4 (MANE Select); coding-DNA position 5161, C replaced by T.
Protein change: p.Gln1721Ter; replaces glutamine 1721 with a stop codon.
Molecular consequence: nonsense. On other transcripts: non-coding transcript variant (1).
Genome position (GRCh38, 1-based): chr17:43,063,365, G>A on the plus strand (C>T on the coding strand, the complement: BRCA1 is on the minus strand). VCF-style: chr17-43063365-G-A. GRCh37 (hg19) VCF-style: chr17-41215382-G-A.
Other names: 5280 C>T; c.5158C>T, p.Gln1720Ter (NM_001407612.1, NM_001407623.1, NM_001407624.1 and 17 more transcripts); c.5155C>T, p.Gln1719Ter (NM_001407627.1, NM_001407628.1, NM_001407629.1 and 14 more transcripts); c.5152C>T, p.Gln1718Ter (NM_001407644.1, NM_001407645.1); c.5149C>T, p.Gln1717Ter (NM_001407646.1); c.5146C>T, p.Gln1716Ter (NM_001407647.1); c.5104C>T, p.Gln1702Ter (NM_001407648.1); c.5101C>T, p.Gln1701Ter (NM_001407649.1); and 73 more; short protein forms Q1721*, Q1674*, Q1742*, Q617*, Q1567*, Q1632*, Q1677*, Q1679*.
Identifiers: ClinVar variation 266529 (VCV000266529.39), dbSNP rs878854957, ClinGen allele CA10589614.